The following is an entry in ClinVar:

ClinVar aggregate classification (germline): Uncertain significance (1 of 4 stars; one submission).

Allele frequency attached by ClinVar (database versions not stated): gnomAD exomes below 0.00001 and 0.00001; TOPMed below 0.00001; ExAC 0.00001.
gnomAD v4.1: 5 of 1,613,962 alleles (0.00031%); highest among the groups gnomAD compares: Non-Finnish European, 0.00042%; no homozygotes.

Submission:

GeneDx
Classification: Uncertain significance. Last evaluated: 2020-01-09. Review status: criteria provided, single submitter. Criteria: GeneDx Variant Classification Process June 2021. Collection method: clinical testing. Allele origin: germline. Affected: yes.
Comment: Not observed at a significant frequency in large population cohorts (Lek et al., 2016); In silico analysis, which includes protein predictors and evolutionary conservation, supports that this variant does not alter protein structure/function; Has not been previously published as pathogenic or benign to our knowledge

NM_006070.6(TFG):c.1169A>G (p.Gln390Arg)

Gene: TFG (trafficking from ER to golgi regulator; plus strand). Cytogenetic location: 3q12.2.
Variant type: single nucleotide variant.
Coding change: c.1169A>G on transcript NM_006070.6 (MANE Select); coding-DNA position 1169, A replaced by G.
Protein change: p.Gln390Arg; replaces glutamine 390 with arginine.
Molecular consequence: missense variant.
Genome position (GRCh38, 1-based): chr3:100,748,497, A>G. VCF-style: chr3-100748497-A-G. GRCh37 (hg19) VCF-style: chr3-100467341-A-G.
Other names: c.1169A>G, p.Gln390Arg (NM_001007565.2, NM_001195478.2); c.1157A>G, p.Gln386Arg (NM_001195479.2); short protein forms Q390R, Q386R.
Identifiers: ClinVar variation 246195 (VCV000246195.4), dbSNP rs759196593, ClinGen allele CA2517265.